The following is an entry in ClinVar:

NM_001370259.2(MEN1):c.302T>G (p.Val101Gly)

Gene: MEN1 (menin 1; minus strand). Cytogenetic location: 11q13.1.
Variant type: single nucleotide variant.
Coding change: c.302T>G on transcript NM_001370259.2 (MANE Select); coding-DNA position 302, T replaced by G.
Protein change: p.Val101Gly; replaces valine 101 with glycine.
Molecular consequence: missense variant. On other transcripts: non-coding transcript variant (4).
Genome position (GRCh38, 1-based): chr11:64,809,808, A>C on the plus strand (T>G on the coding strand, the complement: MEN1 is on the minus strand). VCF-style: chr11-64809808-A-C. GRCh37 (hg19) VCF-style: chr11-64577280-A-C.
Other names: c.302T>G, p.Val101Gly (NM_001407146.1, NM_001407147.1, NM_001407148.1 and 20 more transcripts); short protein forms V101G.
Identifiers: ClinVar variation 4826517 (VCV004826517.1).

ClinVar aggregate classification (germline): Uncertain significance (1 of 4 stars; one submission).

Conditions:
Hereditary cancer-predisposing syndrome. Also called: Neoplastic Syndromes, Hereditary; Tumor predisposition; Hereditary Cancer Syndrome; Hereditary neoplastic syndrome. Identifiers: Orphanet 140162, MedGen C0027672, MeSH D009386, MONDO:0015356.

Submission:

Ambry Genetics
Classification: Uncertain significance for Hereditary cancer-predisposing syndrome. Last evaluated: 2026-02-27. Review status: criteria provided, single submitter. Criteria: Ambry Variant Classification Scheme 2023. Collection method: clinical testing. Allele origin: germline.
Comment: The p.V101G variant (also known as c.302T>G), located in coding exon 1 of the MEN1 gene, results from a T to G substitution at nucleotide position 302. The valine at codon 101 is replaced by glycine, an amino acid with dissimilar properties. This amino acid position is conserved. In addition, this alteration is predicted to be deleterious by in silico analysis. Based on the available evidence, the clinical significance of this variant remains unclear.